The following is an entry in ClinVar:

NM_004370.6(COL12A1):c.2521G>C (p.Val841Leu)

Gene: COL12A1 (collagen type XII alpha 1 chain; minus strand). Cytogenetic location: 6q13.
Variant type: single nucleotide variant.
Coding change: c.2521G>C on transcript NM_004370.6 (MANE Select); coding-DNA position 2521, G replaced by C.
Protein change: p.Val841Leu; replaces valine 841 with leucine.
Molecular consequence: missense variant. On other transcripts: intron variant (1).
Genome position (GRCh38, 1-based): chr6:75,175,227, C>G on the plus strand (G>C on the coding strand, the complement: COL12A1 is on the minus strand). VCF-style: chr6-75175227-C-G. GRCh37 (hg19) VCF-style: chr6-75884943-C-G.
Other names: c.74-22745G>C (NM_080645.3); short protein forms V841L.
Identifiers: ClinVar variation 1497701 (VCV001497701.6), dbSNP rs2149452205, ClinGen allele CA364762343.
Genomic context (GRCh38, chr6:75,175,227, plus strand): 5'-CAGTGACCTCTTGAGTTTCACCCCCTGCCACTGGGGTATATGTGACGAGATACTGTTTCA[C>G]TTTTCCTGGTGCCCCACTCCAAGATAATTTCATAGTAGACGTCGTAGGGTCAGAAACTCT-3'
Protein context (NP_004361.3, residues 831-851): KLSWSGAPGK[Val841Leu]KQYLVTYTPV

ClinVar aggregate classification (germline): Uncertain significance (1 of 4 stars; one submission).

Conditions:
Ullrich congenital muscular dystrophy 2 (UCMD2). Identifiers: Orphanet 75840, MedGen C4225314, MONDO:0014654, OMIM 616470.
Bethlem myopathy 2 (BTHLM2). Identifiers: Orphanet 536516, Orphanet 610, MedGen C4225313, MONDO:0034022, OMIM 616471.

gnomAD v4.1: 1 of 1,614,198 alleles (0.000062%); highest among the groups gnomAD compares: Non-Finnish European, 0.000085%; no homozygotes.

Submission:

Labcorp Genetics (formerly Invitae), Labcorp
Classification: Uncertain significance for Bethlem myopathy 2; Ullrich congenital muscular dystrophy 2. Last evaluated: 2021-11-25. Review status: criteria provided, single submitter. Criteria: Invitae Variant Classification Sherloc (09022015). Collection method: clinical testing. Allele origin: germline.
Comment: This sequence change replaces valine, which is neutral and non-polar, with leucine, which is neutral and non-polar, at codon 841 of the COL12A1 protein (p.Val841Leu). This variant is not present in population databases (gnomAD no frequency). This variant has not been reported in the literature in individuals affected with COL12A1-related conditions. Algorithms developed to predict the effect of missense changes on protein structure and function are either unavailable or do not agree on the potential impact of this missense change (SIFT: "Deleterious"; PolyPhen-2: "Probably Damaging"; Align-GVGD: "Class C0"). In summary, the available evidence is currently insufficient to determine the role of this variant in disease. Therefore, it has been classified as a Variant of Uncertain Significance.